The following is an entry in ClinVar:

ClinVar aggregate classification (germline): Uncertain significance (1 of 4 stars; one submission).

Allele frequency attached by ClinVar (database versions not stated): TOPMed 0.00002; ExAC 0.00007; gnomAD 0.00007.
gnomAD v4.1: 107 of 1,613,896 alleles (0.0066%); highest among the groups gnomAD compares: Non-Finnish European, 0.0034%; no homozygotes.

Submission:

GeneDx
Classification: Uncertain significance. Last evaluated: 2023-04-06. Review status: criteria provided, single submitter. Criteria: GeneDx Variant Classification Process June 2021. Collection method: clinical testing. Allele origin: germline. Affected: yes.
Comment: Not observed at significant frequency in large population cohorts (gnomAD); In silico analysis supports that this missense variant has a deleterious effect on protein structure/function; Has not been previously published as pathogenic or benign to our knowledge

NM_001004127.3(ALG11):c.407G>A (p.Arg136His)

Gene: ALG11 (ALG11 alpha-1,2-mannosyltransferase; plus strand). Cytogenetic location: 13q14.3.
Variant type: single nucleotide variant.
Coding change: c.407G>A on transcript NM_001004127.3 (MANE Select); coding-DNA position 407, G replaced by A.
Protein change: p.Arg136His; replaces arginine 136 with histidine.
Molecular consequence: missense variant.
Genome position (GRCh38, 1-based): chr13:52,024,137, G>A. VCF-style: chr13-52024137-G-A. GRCh37 (hg19) VCF-style: chr13-52598273-G-A.
Other names: short protein forms R136H.
Identifiers: ClinVar variation 2663451 (VCV002663451.1), dbSNP rs200166628, ClinGen allele CA6989903.
Genomic context (GRCh38, chr13:52,024,137, plus strand): 5'-CTTTCAGAAGATTTAACATCAGATTAATTCACCCAGTGCAGTTTGTTTTTTTAAGGAAAC[G>A]CTATCTTGTGGAAGATTCACTGTATCCTCACTTCACACTGCTGGGCCAAAGTCTAGGATC-3'
Protein context (NP_001004127.2, residues 126-146): HPVQFVFLRK[Arg136His]YLVEDSLYPH